The following is an entry in ClinVar:

ClinVar aggregate classification (germline): Uncertain significance. Review status: criteria provided, multiple submitters, no conflicts (2 of 4 stars). 2 submissions from 2 submitters: Uncertain significance (2). Last evaluated 2024-10-10.

Conditions:
JPH2-related disorder. Also called: JPH2-related condition.
Hypertrophic cardiomyopathy. Also called: HYPERTROPHIC MYOCARDIOPATHY. Identifiers: Orphanet 217569, MedGen C0007194, MeSH D002312, MONDO:0005045, HP:0001639.

Allele frequency attached by ClinVar (database versions not stated): gnomAD exomes below 0.00001; TOPMed below 0.00001.
gnomAD v4.1: 1 of 1,519,978 alleles (0.000066%); highest among the groups gnomAD compares: Admixed American, 0.002%; no homozygotes.

Submissions (2):

Labcorp Genetics (formerly Invitae), Labcorp
Classification: Uncertain significance for Hypertrophic cardiomyopathy. Last evaluated: 2024-10-10. Review status: criteria provided, single submitter. Criteria: Invitae Variant Classification Sherloc (09022015). Collection method: clinical testing. Allele origin: germline.
Comment: This sequence change replaces leucine, which is neutral and non-polar, with methionine, which is neutral and non-polar, at codon 226 of the JPH2 protein (p.Leu226Met). This variant is present in population databases (no rsID available, gnomAD 0.005%). This variant has not been reported in the literature in individuals affected with JPH2-related conditions. ClinVar contains an entry for this variant (Variation ID: 2629349). An algorithm developed to predict the effect of missense changes on protein structure and function (PolyPhen-2) suggests that this variant is likely to be disruptive. In summary, the available evidence is currently insufficient to determine the role of this variant in disease. Therefore, it has been classified as a Variant of Uncertain Significance.

PreventionGenetics, part of Exact Sciences
Classification: Uncertain significance for JPH2-related condition. Last evaluated: 2022-11-25. Review status: criteria provided, single submitter. Criteria: ACMG Guidelines, 2015. Collection method: clinical testing. Allele origin: germline.
Comment: The JPH2 c.676C>A variant is predicted to result in the amino acid substitution p.Leu226Met. To our knowledge, this variant has not been reported in the literature. This variant is reported in 0.0044% of alleles in individuals of Latino descent in gnomAD. At this time, the clinical significance of this variant is uncertain due to the absence of conclusive functional and genetic evidence.

NM_020433.5(JPH2):c.676C>A (p.Leu226Met)

Gene: JPH2 (junctophilin 2; minus strand). Cytogenetic location: 20q13.12.
Variant type: single nucleotide variant.
Coding change: c.676C>A on transcript NM_020433.5 (MANE Select); coding-DNA position 676, C replaced by A.
Protein change: p.Leu226Met; replaces leucine 226 with methionine.
Molecular consequence: missense variant.
Genome position (GRCh38, 1-based): chr20:44,160,111, G>T on the plus strand (C>A on the coding strand, the complement: JPH2 is on the minus strand). VCF-style: chr20-44160111-G-T. GRCh37 (hg19) VCF-style: chr20-42788751-G-T.
Other names: short protein forms L226M.
Identifiers: ClinVar variation 2629349 (VCV002629349.3), dbSNP rs1311537181, ClinGen allele CA409093906.